The following is an entry in ClinVar:

NM_003619.4(PRSS12):c.1773C>T (p.His591=)

Gene: PRSS12 (serine protease 12; minus strand). Cytogenetic location: 4q26.
Variant type: single nucleotide variant.
Coding change: c.1773C>T on transcript NM_003619.4 (MANE Select); coding-DNA position 1773, C replaced by T.
Protein change: p.His591=; no amino-acid change (histidine 591 retained).
Molecular consequence: synonymous variant.
Genome position (GRCh38, 1-based): chr4:118,298,797, G>A on the plus strand (C>T on the coding strand, the complement: PRSS12 is on the minus strand). VCF-style: chr4-118298797-G-A. GRCh37 (hg19) VCF-style: chr4-119219952-G-A.
Identifiers: ClinVar variation 347396 (VCV000347396.12), dbSNP rs34131974, ClinGen allele CA3055548.

ClinVar aggregate classification (germline): Benign/Likely benign. Review status: criteria provided, multiple submitters, no conflicts (2 of 4 stars). 4 submissions from 4 submitters: Benign (1); Likely benign (2). 1 of the submissions does not count toward it. Last evaluated 2019-12-31.

Conditions:
PRSS12-related disorder. Also called: PRSS12-related condition.
Intellectual developmental disorder, autosomal recessive 1. Also called: Intellectual disability, autosomal recessive 1; MENTAL RETARDATION, AUTOSOMAL RECESSIVE 1. Identifiers: Orphanet 88616, MedGen C1855304, MONDO:0009580, OMIM 249500.

Allele frequency attached by ClinVar (database versions not stated): ESP Exome Variant Server 0.00700; 1000 Genomes Project 30x 0.01124; 1000 Genomes Project 0.01098; gnomAD exomes 0.00063 and 0.00171; ExAC 0.00204; gnomAD 0.00675 and 0.00712; TOPMed 0.00754.
gnomAD v4.1: 2,034 of 1,614,164 alleles (0.13%); highest among the groups gnomAD compares: African/African-American, 2.3%; 28 homozygotes.

Submissions (4):

Labcorp Genetics (formerly Invitae), Labcorp
Classification: Benign. Last evaluated: 2019-12-31. Review status: criteria provided, single submitter. Criteria: Invitae Variant Classification Sherloc (09022015). Collection method: clinical testing. Allele origin: germline.

Illumina Laboratory Services, Illumina
Classification: Likely benign for Intellectual developmental disorder, autosomal recessive 1. Last evaluated: 2017-04-27. Review status: criteria provided, single submitter. Criteria: ICSL Variant Classification Criteria 13 December 2019. Collection method: clinical testing. Allele origin: germline.
Comment: This variant was observed as part of a predisposition screen in an ostensibly healthy population. A literature search was performed for the gene, cDNA change, and amino acid change (where applicable). No publications were found based on this search. Allele frequency data from public databases allowed determination this variant is unlikely to cause disease. Therefore, this variant is classified as likely benign.

Breakthrough Genomics
Classification: Likely benign. Review status: criteria provided, single submitter. Criteria: ACMG Guidelines, 2015. Collection method: not provided. Allele origin: germline. Inheritance: Autosomal recessive inheritance. Affected: yes.

PreventionGenetics, part of Exact Sciences
Classification: Benign for PRSS12-related condition. Last evaluated: 2019-06-27. Review status: no assertion criteria provided. Collection method: clinical testing. Allele origin: germline. Not counted in ClinVar's aggregate classification.
Comment: This variant is classified as benign based on ACMG/AMP sequence variant interpretation guidelines (Richards et al. 2015 PMID: 25741868, with internal and published modifications).